The following is an entry in ClinVar:

ClinVar aggregate classification (germline): Uncertain significance (1 of 4 stars; one submission).

Conditions:
Dilated cardiomyopathy 1DD (CMD1DD). Identifiers: Orphanet 154, MedGen C2750995, MONDO:0013168, OMIM 613172.

Allele frequency attached by ClinVar (database versions not stated): gnomAD exomes below 0.00001.
gnomAD v4.1: 2 of 1,550,734 alleles (0.00013%); highest among the groups gnomAD compares: Non-Finnish European, 0.00017%; no homozygotes.

Submission:

Labcorp Genetics (formerly Invitae), Labcorp
Classification: Uncertain significance for Dilated cardiomyopathy 1DD. Last evaluated: 2023-11-27. Review status: criteria provided, single submitter. Criteria: Invitae Variant Classification Sherloc (09022015). Collection method: clinical testing. Allele origin: germline.
Comment: This sequence change replaces methionine, which is neutral and non-polar, with isoleucine, which is neutral and non-polar, at codon 859 of the RBM20 protein (p.Met859Ile). This variant is not present in population databases (gnomAD no frequency). This variant has not been reported in the literature in individuals affected with RBM20-related conditions. ClinVar contains an entry for this variant (Variation ID: 1979928). Advanced modeling of protein sequence and biophysical properties (such as structural, functional, and spatial information, amino acid conservation, physicochemical variation, residue mobility, and thermodynamic stability) performed at Invitae indicates that this missense variant is not expected to disrupt RBM20 protein function with a negative predictive value of 95%. In summary, the available evidence is currently insufficient to determine the role of this variant in disease. Therefore, it has been classified as a Variant of Uncertain Significance.

NM_001134363.3(RBM20):c.2577G>A (p.Met859Ile)

Gene: RBM20 (RNA binding motif protein 20; plus strand). Cytogenetic location: 10q25.2.
Variant type: single nucleotide variant.
Coding change: c.2577G>A on transcript NM_001134363.3 (MANE Select); coding-DNA position 2577, G replaced by A.
Protein change: p.Met859Ile; replaces methionine 859 with isoleucine.
Molecular consequence: missense variant.
Genome position (GRCh38, 1-based): chr10:110,820,098, G>A. VCF-style: chr10-110820098-G-A. GRCh37 (hg19) VCF-style: chr10-112579856-G-A.
Other names: short protein forms M859I.
Identifiers: ClinVar variation 1979928 (VCV001979928.4), dbSNP rs2493489981, ClinGen allele CA378376748.